The following is an entry in ClinVar:

ClinVar aggregate classification (germline): Uncertain significance (1 of 4 stars; one submission).

Conditions:
Cardiovascular phenotype. Identifiers: MedGen CN230736.

gnomAD v4.1: 1 of 1,534,466 alleles (0.000065%); highest among the groups gnomAD compares: Non-Finnish European, 0.000087%; no homozygotes.

Submission:

Ambry Genetics
Classification: Uncertain significance for Cardiovascular phenotype. Last evaluated: 2024-07-01. Review status: criteria provided, single submitter. Criteria: Ambry Variant Classification Scheme 2023. Collection method: clinical testing. Allele origin: germline.
Comment: The p.G928R variant (also known as c.2782G>A), located in coding exon 12 of the KCNH2 gene, results from a G to A substitution at nucleotide position 2782. The glycine at codon 928 is replaced by arginine, an amino acid with dissimilar properties. This amino acid position is well conserved in available vertebrate species. In addition, this alteration is predicted to be deleterious by in silico analysis. Based on the available evidence, the clinical significance of this variant remains unclear.

NM_000238.4(KCNH2):c.2782G>A (p.Gly928Arg)

Gene: KCNH2 (potassium voltage-gated channel subfamily H member 2; minus strand). Cytogenetic location: 7q36.1.
Variant type: single nucleotide variant.
Coding change: c.2782G>A on transcript NM_000238.4 (MANE Select); coding-DNA position 2782, G replaced by A.
Protein change: p.Gly928Arg; replaces glycine 928 with arginine.
Molecular consequence: missense variant.
Genome position (GRCh38, 1-based): chr7:150,947,789, C>T on the plus strand (G>A on the coding strand, the complement: KCNH2 is on the minus strand). VCF-style: chr7-150947789-C-T. GRCh37 (hg19) VCF-style: chr7-150644877-C-T.
Other names: c.2494G>A, p.Gly832Arg (NM_001406753.1); c.1762G>A, p.Gly588Arg (NM_172057.3); short protein forms G588R, G832R, G928R.
Identifiers: ClinVar variation 3532311 (VCV003532311.1).
Genomic context (GRCh38, chr7:150,947,789, plus strand): 5'-GGCCTGGGCCCTCATCCTCACTGCTCTCAGGGCTGGAGGGGCCACTGGACGGGCTCTCCC[C>T]CCACGGCCCCCCCGGCCGGCCCCGGCTACTCGGCCCTGCCCCCGCCCGGCCCGGCCCCAA-3'
Protein context (NP_000229.1, residues 918-938): SSRGRPGGPW[Gly928Arg]ESPSSGPSSP